The following is an entry in ClinVar:

NM_005573.4(LMNB1):c.1322A>G (p.Asn441Ser)

Gene: LMNB1 (lamin B1; plus strand). Cytogenetic location: 5q23.2.
Variant type: single nucleotide variant.
Coding change: c.1322A>G on transcript NM_005573.4 (MANE Select); coding-DNA position 1322, A replaced by G.
Protein change: p.Asn441Ser; replaces asparagine 441 with serine.
Molecular consequence: missense variant. On other transcripts: non-coding transcript variant (1).
Genome position (GRCh38, 1-based): chr5:126,821,071, A>G. VCF-style: chr5-126821071-A-G. GRCh37 (hg19) VCF-style: chr5-126156763-A-G.
Other names: c.692A>G, p.Asn231Ser (NM_001198557.2); short protein forms N231S, N441S.
Identifiers: ClinVar variation 1480378 (VCV001480378.8), dbSNP rs756699174, ClinGen allele CA3390684.

ClinVar aggregate classification (germline): Uncertain significance (1 of 4 stars; one submission).

Allele frequency attached by ClinVar (database versions not stated): ExAC 0.00001; gnomAD 0.00001 and 0.00002; gnomAD exomes 0.00001; TOPMed 0.00002.
gnomAD v4.1: 21 of 1,613,936 alleles (0.0013%); highest among the groups gnomAD compares: Middle Eastern, 0.016%; no homozygotes.

Submission:

Labcorp Genetics (formerly Invitae), Labcorp
Classification: Uncertain significance. Last evaluated: 2025-06-11. Review status: criteria provided, single submitter. Criteria: Invitae Variant Classification Sherloc (09022015). Collection method: clinical testing. Allele origin: germline.
Comment: This sequence change replaces asparagine, which is neutral and polar, with serine, which is neutral and polar, at codon 441 of the LMNB1 protein (p.Asn441Ser). This variant is present in population databases (rs756699174, gnomAD 0.003%). This variant has not been reported in the literature in individuals affected with LMNB1-related conditions. ClinVar contains an entry for this variant (Variation ID: 1480378). Invitae Evidence Modeling of protein sequence and biophysical properties (such as structural, functional, and spatial information, amino acid conservation, physicochemical variation, residue mobility, and thermodynamic stability) indicates that this missense variant is not expected to disrupt LMNB1 protein function with a negative predictive value of 80%. In summary, the available evidence is currently insufficient to determine the role of this variant in disease. Therefore, it has been classified as a Variant of Uncertain Significance.